The following is an entry in ClinVar:

NM_012470.4(TNPO3):c.342T>A (p.Asp114Glu)

Gene: TNPO3 (transportin 3; minus strand). Cytogenetic location: 7q32.1.
Variant type: single nucleotide variant.
Coding change: c.342T>A on transcript NM_012470.4 (MANE Select); coding-DNA position 342, T replaced by A.
Protein change: p.Asp114Glu; replaces aspartic acid 114 with glutamic acid.
Molecular consequence: missense variant. On other transcripts: non-coding transcript variant (18).
Genome position (GRCh38, 1-based): chr7:129,017,036, A>T on the plus strand (T>A on the coding strand, the complement: TNPO3 is on the minus strand). VCF-style: chr7-129017036-A-T. GRCh37 (hg19) VCF-style: chr7-128657090-A-T.
Other names: c.342T>A, p.Asp114Glu (NM_001191028.3, NM_001382216.1, NM_001382217.1 and 6 more transcripts); short protein forms D114E.
Identifiers: ClinVar variation 1476024 (VCV001476024.8), dbSNP rs2150433664, ClinGen allele CA369247667.

ClinVar aggregate classification (germline): Uncertain significance (1 of 4 stars; one submission).

Conditions:
Autosomal dominant limb-girdle muscular dystrophy type 1F (LGMDD2). Also called: MUSCULAR DYSTROPHY, LIMB-GIRDLE, AUTOSOMAL DOMINANT 2; Limb-girdle muscular dystrophy, type 1F. Identifiers: Orphanet 55595, MedGen C1842062, MONDO:0012034, OMIM 608423.

Submission:

Labcorp Genetics (formerly Invitae), Labcorp
Classification: Uncertain significance for Autosomal dominant limb-girdle muscular dystrophy type 1F. Last evaluated: 2022-07-05. Review status: criteria provided, single submitter. Criteria: Invitae Variant Classification Sherloc (09022015). Collection method: clinical testing. Allele origin: germline.
Comment: This sequence change replaces aspartic acid, which is acidic and polar, with glutamic acid, which is acidic and polar, at codon 114 of the TNPO3 protein (p.Asp114Glu). This variant is not present in population databases (gnomAD no frequency). This variant has not been reported in the literature in individuals affected with TNPO3-related conditions. ClinVar contains an entry for this variant (Variation ID: 1476024). Algorithms developed to predict the effect of missense changes on protein structure and function are either unavailable or do not agree on the potential impact of this missense change (SIFT: "Tolerated"; PolyPhen-2: "Probably Damaging"; Align-GVGD: "Class C0"). In summary, the available evidence is currently insufficient to determine the role of this variant in disease. Therefore, it has been classified as a Variant of Uncertain Significance.